The following is an entry in ClinVar:

NM_003906.5(MCM3AP):c.5049C>T (p.Leu1683=)

Genes: MCM3AP (minichromosome maintenance complex component 3 associated protein; minus strand), MCM3AP-AS1 (MCM3AP antisense RNA 1; plus strand). Cytogenetic location: 21q22.3.
Variant type: single nucleotide variant.
Coding change: c.5049C>T on transcript NM_003906.5 (MANE Select); coding-DNA position 5049, C replaced by T.
Protein change: p.Leu1683=; no amino-acid change (leucine 1683 retained).
Molecular consequence: synonymous variant.
Genome position (GRCh38, 1-based): chr21:46,243,712, G>A on the plus strand (C>T on the coding strand, the complement: MCM3AP is on the minus strand). VCF-style: chr21-46243712-G-A. GRCh37 (hg19) VCF-style: chr21-47663626-G-A.
Other names: p.Leu1683=.
Identifiers: ClinVar variation 1564264 (VCV001564264.9), dbSNP rs141001574, ClinGen allele CA10075957.

ClinVar aggregate classification (germline): Likely benign. Review status: criteria provided, multiple submitters, no conflicts (2 of 4 stars). 2 submissions from 2 submitters: Likely benign (2). Last evaluated 2026-02-03.

Allele frequency attached by ClinVar (database versions not stated): gnomAD 0.00003; gnomAD exomes 0.00005 and 0.00008; TOPMed 0.00008; ExAC 0.00011; ESP Exome Variant Server 0.00015.
gnomAD v4.1: 83 of 1,613,826 alleles (0.0051%); highest among the groups gnomAD compares: Middle Eastern, 0.016%; no homozygotes.

Submissions (2):

Labcorp Genetics (formerly Invitae), Labcorp
Classification: Likely benign. Last evaluated: 2026-02-03. Review status: criteria provided, single submitter. Criteria: Invitae Variant Classification Sherloc (09022015). Collection method: clinical testing. Allele origin: germline.

Mayo Clinic Laboratories, Mayo Clinic
Classification: Likely benign. Last evaluated: 2025-09-04. Review status: criteria provided, single submitter. Criteria: ACMG Guidelines, 2015. Collection method: clinical testing. Allele origin: germline. Observed: 1 variant allele.
Comment: BP4, BP7